The following is an entry in ClinVar:

NM_006904.7(PRKDC):c.6685G>A (p.Ala2229Thr)

Gene: PRKDC (protein kinase, DNA-activated, catalytic subunit; minus strand). Cytogenetic location: 8q11.21.
Variant type: single nucleotide variant.
Coding change: c.6685G>A on transcript NM_006904.7 (MANE Select); coding-DNA position 6685, G replaced by A.
Protein change: p.Ala2229Thr; replaces alanine 2229 with threonine.
Molecular consequence: missense variant.
Genome position (GRCh38, 1-based): chr8:47,855,298, C>T on the plus strand (G>A on the coding strand, the complement: PRKDC is on the minus strand). VCF-style: chr8-47855298-C-T. GRCh37 (hg19) VCF-style: chr8-48767859-C-T.
Other names: c.6685G>A, p.Ala2229Thr (NM_001081640.2); short protein forms A2229T.
Identifiers: ClinVar variation 1017409 (VCV001017409.6), dbSNP rs2088509383, ClinGen allele CA371159478.

ClinVar aggregate classification (germline): Uncertain significance (1 of 4 stars; one submission).

Conditions:
Severe combined immunodeficiency due to DNA-PKcs deficiency. Also called: Immunodeficiency 26 with or without neurologic abnormalities; IMMUNODEFICIENCY 26 WITH NEUROLOGIC ABNORMALITIES. Identifiers: Orphanet 317425, MedGen C4014833, MONDO:0014423, OMIM 615966.

Allele frequency attached by ClinVar (database versions not stated): gnomAD exomes below 0.00001.
gnomAD v4.1: 1 of 1,601,784 alleles (0.000062%); highest among the groups gnomAD compares: East Asian, 0.0022%; no homozygotes.

Submission:

Labcorp Genetics (formerly Invitae), Labcorp
Classification: Uncertain significance for Severe combined immunodeficiency due to DNA-PKcs deficiency. Last evaluated: 2022-08-15. Review status: criteria provided, single submitter. Criteria: Invitae Variant Classification Sherloc (09022015). Collection method: clinical testing. Allele origin: germline.
Comment: In summary, the available evidence is currently insufficient to determine the role of this variant in disease. Therefore, it has been classified as a Variant of Uncertain Significance. Experimental studies and prediction algorithms are not available or were not evaluated, and the functional significance of this variant is currently unknown. ClinVar contains an entry for this variant (Variation ID: 1017409). This variant has not been reported in the literature in individuals affected with PRKDC-related conditions. This variant is not present in population databases (gnomAD no frequency). This sequence change replaces alanine, which is neutral and non-polar, with threonine, which is neutral and polar, at codon 2229 of the PRKDC protein (p.Ala2229Thr).